The following is an entry in ClinVar:

ClinVar aggregate classification (germline): Uncertain significance (1 of 4 stars; one submission).

Conditions:
Emery-Dreifuss muscular dystrophy 5, autosomal dominant (EDMD5). Also called: EMERY-DREIFUSS MUSCULAR DYSTROPHY 5. Identifiers: Orphanet 261, MedGen C2751805, MONDO:0013072, OMIM 612999.

gnomAD v4.1: 1 of 1,614,208 alleles (0.000062%); no homozygotes.

Submission:

Labcorp Genetics (formerly Invitae), Labcorp
Classification: Uncertain significance for Emery-Dreifuss muscular dystrophy 5, autosomal dominant. Last evaluated: 2023-09-12. Review status: criteria provided, single submitter. Criteria: Invitae Variant Classification Sherloc (09022015). Collection method: clinical testing. Allele origin: germline.
Comment: In summary, the available evidence is currently insufficient to determine the role of this variant in disease. Therefore, it has been classified as a Variant of Uncertain Significance. An algorithm developed to predict the effect of missense changes on protein structure and function (PolyPhen-2) suggests that this variant is likely to be disruptive. This variant has not been reported in the literature in individuals affected with SYNE2-related conditions. This variant is not present in population databases (gnomAD no frequency). This sequence change replaces serine, which is neutral and polar, with asparagine, which is neutral and polar, at codon 6256 of the SYNE2 protein (p.Ser6256Asn).

NM_182914.3(SYNE2):c.18767G>A (p.Ser6256Asn)

Gene: SYNE2 (spectrin repeat containing nuclear envelope protein 2; plus strand). Cytogenetic location: 14q23.2.
Variant type: single nucleotide variant.
Coding change: c.18767G>A on transcript NM_182914.3 (MANE Select); coding-DNA position 18767, G replaced by A.
Protein change: p.Ser6256Asn; replaces serine 6256 with asparagine.
Molecular consequence: missense variant.
Genome position (GRCh38, 1-based): chr14:64,212,004, G>A. VCF-style: chr14-64212004-G-A. GRCh37 (hg19) VCF-style: chr14-64678722-G-A.
Other names: c.18767G>A, p.Ser6256Asn (NM_015180.6); short protein forms S6256N.
Identifiers: ClinVar variation 2760431 (VCV002760431.3), dbSNP rs2550136192, ClinGen allele CA389953418.
Genomic context (GRCh38, chr14:64,212,004, plus strand): 5'-CCTCCCCACTTTTGCAGCATTTCACCAACCAGAGGGAAGAATTTGAGGGCACCAGGGAGA[G>A]CATTCTGGTGTGGCTCACAGAGATGGACCTGCAGCTGACCAACGTGGAGCACTTCTCAGA-3'
Protein context (NP_878918.2, residues 6246-6266): QREEFEGTRE[Ser6256Asn]ILVWLTEMDL